The following is an entry in ClinVar:

ClinVar aggregate classification (germline): Likely benign (1 of 4 stars; one submission).

Allele frequency attached by ClinVar (database versions not stated): TOPMed 0.00004; ExAC 0.00001; gnomAD 0.00001; gnomAD exomes 0.00002.
gnomAD v4.1: 11 of 1,612,546 alleles (0.00068%); highest among the groups gnomAD compares: Admixed American, 0.015%; no homozygotes.

Submission:

GeneDx
Classification: Likely benign. Last evaluated: 2021-06-21. Review status: criteria provided, single submitter. Criteria: GeneDx Variant Classification Process June 2021. Collection method: clinical testing. Allele origin: germline. Affected: yes.
Comment: This variant is associated with the following publications: (PMID: 27535533)

NM_005422.4(TECTA):c.6360C>T (p.Ser2120=)

Genes: TBCEL-TECTA (TBCEL-TECTA readthrough; plus strand), TECTA (tectorin alpha; plus strand). Cytogenetic location: 11q23.3.
Variant type: single nucleotide variant.
Coding change: c.6360C>T on transcript NM_005422.4 (MANE Select); coding-DNA position 6360, C replaced by T.
Protein change: p.Ser2120=; no amino-acid change (serine 2120 retained).
Molecular consequence: synonymous variant.
Genome position (GRCh38, 1-based): chr11:121,189,873, C>T. VCF-style: chr11-121189873-C-T. GRCh37 (hg19) VCF-style: chr11-121060582-C-T.
Other names: c.7302C>T, p.Ser2434= (NM_001378761.1).
Identifiers: ClinVar variation 1329681 (VCV001329681.2), dbSNP rs767569253, ClinGen allele CA6327960.
Genomic context (GRCh38, chr11:121,189,873, plus strand): 5'-CCGGGTGGATGGGCCTCTCTGCAGCTGTGTAACAGGAACCCTGCAGGAGGACGGCAAGAG[C>T]TGCAGAGGTAGACACTCTTCTACCCTGGGGCAGGCAGCTGGGAGACACGGGAGGTTCTTT-3'
Protein context (NP_005413.2, residues 2110-2130): VTGTLQEDGK[Ser2120=]CRASNSSMEL